The following is an entry in ClinVar:

NM_001378120.1(MBD5):c.1104A>C (p.Pro368=)

Gene: MBD5 (methyl-CpG binding domain protein 5; plus strand). Cytogenetic location: 2q23.1.
Variant type: single nucleotide variant.
Coding change: c.1104A>C on transcript NM_001378120.1 (MANE Select); coding-DNA position 1104, A replaced by C.
Protein change: p.Pro368=; no amino-acid change (proline 368 retained).
Molecular consequence: synonymous variant.
Genome position (GRCh38, 1-based): chr2:148,469,047, A>C. VCF-style: chr2-148469047-A-C. GRCh37 (hg19) VCF-style: chr2-149226616-A-C.
Other names: c.1104A>C, p.Pro368= (NM_018328.5).
Identifiers: ClinVar variation 1087381 (VCV001087381.34), dbSNP rs756273559, ClinGen allele CA1899976.

ClinVar aggregate classification (germline): Likely benign. Review status: criteria provided, multiple submitters, no conflicts (2 of 4 stars). 3 submissions from 3 submitters: Likely benign (3). Last evaluated 2024-02-23.

Conditions:
Intellectual developmental disorder, autosomal dominant 1. Also called: Intellectual disability, autosomal dominant 1; MBD5 Haploinsufficiency. Identifiers: Orphanet 228402, MedGen C1969562, MONDO:0007974, OMIM 156200.

Allele frequency attached by ClinVar (database versions not stated): gnomAD 0.00001; ExAC 0.00002; gnomAD exomes 0.00001 and 0.00003.
gnomAD v4.1: 23 of 1,613,806 alleles (0.0014%); highest among the groups gnomAD compares: Non-Finnish European, 0.0019%; 1 homozygote.

Submissions (3):

Labcorp Genetics (formerly Invitae), Labcorp
Classification: Likely benign for Intellectual developmental disorder, autosomal dominant 1. Last evaluated: 2024-02-23. Review status: criteria provided, single submitter. Criteria: Invitae Variant Classification Sherloc (09022015). Collection method: clinical testing. Allele origin: germline.

CeGaT Center for Human Genetics Tuebingen
Classification: Likely benign. Last evaluated: 2022-11-01. Review status: criteria provided, single submitter. Criteria: CeGaT Center For Human Genetics Tuebingen Variant Classification Criteria Version 2. Collection method: clinical testing. Allele origin: germline. Affected: yes. Observed: 1 variant allele.
Comment: MBD5: BP4, BP7

Blueprint Genetics
Classification: Likely benign. Last evaluated: 2021-03-09. Review status: criteria provided, single submitter. Criteria: ACMG Guidelines, 2015. Collection method: clinical testing. Allele origin: germline.